The following is an entry in ClinVar:

ClinVar aggregate classification (germline): Likely benign (0 of 4 stars; one submission).

Conditions:
MEIOB-related disorder. Also called: MEIOB-related condition.

Allele frequency attached by ClinVar (database versions not stated): gnomAD exomes 0.00018; ExAC 0.00076; 1000 Genomes Project 30x 0.00125; 1000 Genomes Project 0.00140; gnomAD 0.00153; TOPMed 0.00194; ESP Exome Variant Server 0.00307.
gnomAD v4.1: 522 of 1,606,878 alleles (0.032%); highest among the groups gnomAD compares: African/African-American, 0.6%; 3 homozygotes.

Submission:

PreventionGenetics, part of Exact Sciences
Classification: Likely benign for MEIOB-related condition. Last evaluated: 2019-03-19. Review status: no assertion criteria provided. Collection method: clinical testing. Allele origin: germline.
Comment: This variant is classified as likely benign based on ACMG/AMP sequence variant interpretation guidelines (Richards et al. 2015 PMID: 25741868, with internal and published modifications).

NM_001163560.3(MEIOB):c.683-3C>T

Gene: MEIOB (meiosis specific with OB-fold; minus strand). Cytogenetic location: 16p13.3.
Variant type: single nucleotide variant.
Coding change: c.683-3C>T on transcript NM_001163560.3 (MANE Select); 3 bases into the intron before coding-DNA position 683, C replaced by T.
Molecular consequence: intron variant.
Genome position (GRCh38, 1-based): chr16:1,853,137, G>A on the plus strand (C>T on the coding strand, the complement: MEIOB is on the minus strand). VCF-style: chr16-1853137-G-A. GRCh37 (hg19) VCF-style: chr16-1903138-G-A.
Other names: c.683-3C>T (NM_152764.3).
Identifiers: ClinVar variation 3034787 (VCV003034787.2), dbSNP rs76370825, ClinGen allele CA7821909.